The following is an entry in ClinVar:

NM_201253.3(CRB1):c.4163G>A (p.Gly1388Asp)

Gene: CRB1 (crumbs cell polarity complex component 1; plus strand). Cytogenetic location: 1q31.3.
Variant type: single nucleotide variant.
Coding change: c.4163G>A on transcript NM_201253.3 (MANE Select); coding-DNA position 4163, G replaced by A.
Protein change: p.Gly1388Asp; replaces glycine 1388 with aspartic acid.
Molecular consequence: missense variant. On other transcripts: non-coding transcript variant (2).
Genome position (GRCh38, 1-based): chr1:197,477,821, G>A. VCF-style: chr1-197477821-G-A. GRCh37 (hg19) VCF-style: chr1-197446951-G-A.
Other names: c.3827G>A, p.Gly1276Asp (NM_001193640.2); c.4091G>A, p.Gly1364Asp (NM_001257965.2); c.2555G>A, p.Gly852Asp (NM_001257966.2); short protein forms G1276D, G1364D, G1388D, G852D.
Identifiers: ClinVar variation 1002988 (VCV001002988.8), dbSNP rs765740058, ClinGen allele CA344035881.
Genomic context (GRCh38, chr1:197,477,821, plus strand): 5'-TCACCTCCAACAAAAGGGCAACTCAGGGAACCTACAGCCCCAGCCGTCAGGAGAAGGAGG[G>A]CTCCCGAGTGGAAATGTGGAACTTGATGCCACCCCCTGCAATGGAGAGACTGATTTAGGA-3'
Protein context (NP_957705.1, residues 1378-1398): TYSPSRQEKE[Gly1388Asp]SRVEMWNLMP

ClinVar aggregate classification (germline): Uncertain significance. Review status: criteria provided, multiple submitters, no conflicts (2 of 4 stars). 8 submissions from 6 submitters: Uncertain significance (7). 1 of the submissions does not count toward it. Last evaluated 2024-03-04.

Conditions:
Leber congenital amaurosis 8 (LCA8). Identifiers: Orphanet 65, MedGen C3151202, MONDO:0013453, OMIM 613835.
Retinitis pigmentosa 12 (RP12). Also called: RP WITH OR WITHOUT PRESERVED PARAARTERIOLE RETINAL PIGMENT EPITHELIUM; RETINITIS PIGMENTOSA WITH OR WITHOUT PARAARTERIOLAR PRESERVATION OF RETINAL PIGMENT EPITHELIUM; RP WITH OR WITHOUT PPRPE. Identifiers: Orphanet 791, MedGen C1838647, MONDO:0010818, OMIM 600105.
Leber congenital amaurosis (LCA). Also called: Leber's amaurosis. Identifiers: Orphanet 65, MedGen C0339527, MeSH D057130, MONDO:0018998.
Inborn genetic diseases. Identifiers: MedGen C0950123, MeSH D030342.
Pigmented paravenous retinochoroidal atrophy. Identifiers: Orphanet 251295, MedGen C1868310, MONDO:0008246, OMIM 172870.

Allele frequency attached by ClinVar (database versions not stated): TOPMed 0.00001.
gnomAD v4.1: 25 of 1,613,910 alleles (0.0015%); highest among the groups gnomAD compares: South Asian, 0.0033%; no homozygotes.

Submissions (8):

Blueprint Genetics
Classification: Uncertain significance. Last evaluated: 2024-03-04. Review status: criteria provided, single submitter. Criteria: ACMG Guidelines, 2015. Collection method: clinical testing. Allele origin: germline.

Genome-Nilou Lab
Classification: Uncertain significance for Leber congenital amaurosis 8. Last evaluated: 2023-04-11. Review status: criteria provided, single submitter. Criteria: ACMG Guidelines, 2015. Collection method: clinical testing. Allele origin: germline. Affected: no.

Genome-Nilou Lab
Classification: Uncertain significance for Pigmented paravenous retinochoroidal atrophy. Last evaluated: 2023-04-11. Review status: criteria provided, single submitter. Criteria: ACMG Guidelines, 2015. Collection method: clinical testing. Allele origin: germline. Affected: no.

Genome-Nilou Lab
Classification: Uncertain significance for Retinitis pigmentosa 12. Last evaluated: 2023-04-11. Review status: criteria provided, single submitter. Criteria: ACMG Guidelines, 2015. Collection method: clinical testing. Allele origin: germline. Affected: no.

Ambry Genetics
Classification: Uncertain significance for Inborn genetic diseases. Last evaluated: 2022-12-07. Review status: criteria provided, single submitter. Criteria: Ambry Variant Classification Scheme 2023. Collection method: clinical testing. Allele origin: germline.

Labcorp Genetics (formerly Invitae), Labcorp
Classification: Uncertain significance for Leber congenital amaurosis 8; Retinitis pigmentosa 12. Last evaluated: 2022-09-13. Review status: criteria provided, single submitter. Criteria: Invitae Variant Classification Sherloc (09022015). Collection method: clinical testing. Allele origin: germline.
Comment: This sequence change replaces glycine, which is neutral and non-polar, with aspartic acid, which is acidic and polar, at codon 1388 of the CRB1 protein (p.Gly1388Asp). This variant is present in population databases (no rsID available, gnomAD 0.005%). This variant has not been reported in the literature in individuals affected with CRB1-related conditions. ClinVar contains an entry for this variant (Variation ID: 1002988). Advanced modeling of protein sequence and biophysical properties (such as structural, functional, and spatial information, amino acid conservation, physicochemical variation, residue mobility, and thermodynamic stability) performed at Invitae indicates that this missense variant is expected to disrupt CRB1 protein function. In summary, the available evidence is currently insufficient to determine the role of this variant in disease. Therefore, it has been classified as a Variant of Uncertain Significance.

Baylor Genetics
Classification: Uncertain significance for Leber congenital amaurosis 8. Last evaluated: 2018-02-16. Review status: criteria provided, single submitter. Criteria: ACMG Guidelines, 2015. Collection method: clinical testing. Allele origin: maternal. Affected: yes.
Comment: This variant was determined to be of uncertain significance according to ACMG Guidelines, 2015 [PMID:25741868].

Natera, Inc.
Classification: Uncertain significance for Leber congenital amaurosis. Last evaluated: 2020-08-25. Review status: no assertion criteria provided. Collection method: clinical testing. Allele origin: germline. Not counted in ClinVar's aggregate classification.